The following is an entry in ClinVar:

ClinVar aggregate classification (germline): Uncertain significance (1 of 4 stars; one submission).

Conditions:
Multiple endocrine neoplasia, type 2 (MEN2). Identifiers: Orphanet 653, MedGen C4048306, MONDO:0019003. Disease mechanism: gain of function.

Submission:

All of Us Research Program, National Institutes of Health
Classification: Uncertain significance for Multiple endocrine neoplasia, type 2. Last evaluated: 2024-04-25. Review status: criteria provided, single submitter. Criteria: ACMG Guidelines, 2015. Collection method: clinical testing. Allele origin: germline. Inheritance: Autosomal dominant inheritance. Observed: 1 variant allele, 1 heterozygote.
Comment: This missense variant replaces phenylalanine with tyrosine at codon 555 of the RET protein. Computational prediction suggests that this variant may not impact protein structure and function (internally defined REVEL score threshold <= 0.5, PMID: 27666373). To our knowledge, functional studies have not been reported for this variant. This variant has not been reported in individuals affected with RET-related disorders in the literature. This variant has not been identified in the general population by the Genome Aggregation Database (gnomAD). The available evidence is insufficient to determine the role of this variant in disease conclusively. Therefore, this variant is classified as a Variant of Uncertain Significance.

This study involves interpretation of variants in research participants for the purpose of population health screening. Participant phenotype was not available at the time of variant classification. Additional details can be found in publication PMID: 35346344, PMCID: PMC8962531

NM_020975.6(RET):c.1664T>A (p.Phe555Tyr)

Gene: RET (ret proto-oncogene; plus strand). Cytogenetic location: 10q11.21.
Variant type: single nucleotide variant.
Coding change: c.1664T>A on transcript NM_020975.6 (MANE Select); coding-DNA position 1664, T replaced by A.
Protein change: p.Phe555Tyr; replaces phenylalanine 555 with tyrosine.
Molecular consequence: missense variant.
Genome position (GRCh38, 1-based): chr10:43,112,868, T>A. VCF-style: chr10-43112868-T-A. GRCh37 (hg19) VCF-style: chr10-43608316-T-A.
Other names: c.902T>A, p.Phe301Tyr (NM_001355216.2); c.1664T>A, p.Phe555Tyr (NM_001406743.1, NM_001406744.1, NM_001406759.1 and 4 more transcripts); c.1535T>A, p.Phe512Tyr (NM_001406761.1, NM_001406762.1, NM_001406764.1 and 1 more transcripts); c.1376T>A, p.Phe459Tyr (NM_001406766.1, NM_001406767.1, NM_001406770.1); c.1268T>A, p.Phe423Tyr (NM_001406769.1, NM_001406772.1); c.1226T>A, p.Phe409Tyr (NM_001406771.1, NM_001406773.1); c.1139T>A, p.Phe380Tyr (NM_001406774.1); c.938T>A, p.Phe313Tyr (NM_001406775.1, NM_001406776.1, NM_001406777.1 and 1 more transcripts); and 5 more; short protein forms F160Y, F213Y, F225Y, F256Y, F301Y, F313Y, F380Y, F409Y.
Identifiers: ClinVar variation 3387596 (VCV003387596.1).